The following is an entry in ClinVar:

NM_005340.7(HINT1):c.216T>A (p.Ser72Arg)

Gene: HINT1 (histidine triad nucleotide binding protein 1; minus strand). Cytogenetic location: 5q23.3.
Variant type: single nucleotide variant.
Coding change: c.216T>A on transcript NM_005340.7 (MANE Select); coding-DNA position 216, T replaced by A.
Protein change: p.Ser72Arg; replaces serine 72 with arginine.
Molecular consequence: missense variant. On other transcripts: non-coding transcript variant (5).
Genome position (GRCh38, 1-based): chr5:131,162,572, A>T on the plus strand (T>A on the coding strand, the complement: HINT1 is on the minus strand). VCF-style: chr5-131162572-A-T. GRCh37 (hg19) VCF-style: chr5-130498265-A-T.
Other names: p.Ser72Arg; short protein forms S72R.
Identifiers: ClinVar variation 951368 (VCV000951368.9), dbSNP rs780762280, ClinGen allele CA3398608.
Genomic context (GRCh38, chr5:131,162,572, plus strand): 5'-ACAAAATTAATCTCACAATTTAAAAAGCAAGAAAATAAATCATGTTAGAAATGTACTTAC[A>T]CTTTCATCATCATCTTCTGCCACAGAAATCTGGGATATATGTTTCTTGGGTATCACCAGA-3'
Protein context (NP_005331.1, residues 62-82): QISVAEDDDE[Ser72Arg]LLGHLMIVGK

ClinVar aggregate classification (germline): Uncertain significance. Review status: criteria provided, multiple submitters, no conflicts (2 of 4 stars). 2 submissions from 2 submitters: Uncertain significance (2). Last evaluated 2025-10-20.

Conditions:
Autosomal recessive axonal neuropathy with neuromyotonia (NMAN). Also called: Gamstorp-Wohlfart syndrome; Neuromyotonia and axonal neuropathy, autosomal recessive; MYOKYMIA, MYOTONIA, AND MUSCLE WASTING. Identifiers: Orphanet 324442, MedGen C5700127, MONDO:0007646, OMIM 137200.

Allele frequency attached by ClinVar (database versions not stated): gnomAD exomes below 0.00001 and 0.00001; ExAC 0.00001; gnomAD 0.00001; TOPMed 0.00001.
gnomAD v4.1: 5 of 1,608,000 alleles (0.00031%); highest among the groups gnomAD compares: Non-Finnish European, 0.00043%; no homozygotes.

Submissions (2):

Mayo Clinic Laboratories, Mayo Clinic
Classification: Uncertain significance. Last evaluated: 2025-10-20. Review status: criteria provided, single submitter. Criteria: ACMG Guidelines, 2015. Collection method: clinical testing. Allele origin: germline. Observed: 1 variant allele.
Comment: BP4_moderate, PM2_supporting

Labcorp Genetics (formerly Invitae), Labcorp
Classification: Uncertain significance for Autosomal recessive axonal neuropathy with neuromyotonia. Last evaluated: 2023-11-01. Review status: criteria provided, single submitter. Criteria: Invitae Variant Classification Sherloc (09022015). Collection method: clinical testing. Allele origin: germline.
Comment: This sequence change replaces serine, which is neutral and polar, with arginine, which is basic and polar, at codon 72 of the HINT1 protein (p.Ser72Arg). This variant is present in population databases (rs780762280, gnomAD 0.0009%). This variant has not been reported in the literature in individuals affected with HINT1-related conditions. ClinVar contains an entry for this variant (Variation ID: 951368). Algorithms developed to predict the effect of missense changes on protein structure and function output the following: SIFT: "Not Available"; PolyPhen-2: "Benign"; Align-GVGD: "Not Available". The arginine amino acid residue is found in multiple mammalian species, which suggests that this missense change does not adversely affect protein function. In summary, the available evidence is currently insufficient to determine the role of this variant in disease. Therefore, it has been classified as a Variant of Uncertain Significance.